The following is an entry in ClinVar:

NM_002693.3(POLG):c.1752A>C (p.Ala584=)

Gene: POLG (DNA polymerase gamma, catalytic subunit; minus strand). Cytogenetic location: 15q26.1.
Variant type: single nucleotide variant.
Coding change: c.1752A>C on transcript NM_002693.3 (MANE Select); coding-DNA position 1752, A replaced by C.
Protein change: p.Ala584=; no amino-acid change (alanine 584 retained).
Molecular consequence: synonymous variant.
Genome position (GRCh38, 1-based): chr15:89,325,647, T>G on the plus strand (A>C on the coding strand, the complement: POLG is on the minus strand). VCF-style: chr15-89325647-T-G. GRCh37 (hg19) VCF-style: chr15-89868878-T-G.
Other names: c.1752A>C, p.Ala584= (NM_001126131.2).
Identifiers: ClinVar variation 381080 (VCV000381080.14), dbSNP rs150929445, ClinGen allele CA7724693.

ClinVar aggregate classification (germline): Likely benign. Review status: criteria provided, multiple submitters, no conflicts (2 of 4 stars). 4 submissions from 4 submitters: Likely benign (4). Last evaluated 2025-12-08.

Conditions:
POLG-related disorder. Also called: POLG-Related Spectrum Disorders; POLG-related condition; POLG-Related Disorders. Identifiers: MedGen C4763519.
Inborn genetic diseases. Identifiers: MedGen C0950123, MeSH D030342.
Progressive sclerosing poliodystrophy (MTDPS4A). Also called: ALPERS PROGRESSIVE INFANTILE POLIODYSTROPHY; NEURONAL DEGENERATION OF CHILDHOOD WITH LIVER DISEASE, PROGRESSIVE; Alpers Syndrome; ALPERS DIFFUSE DEGENERATION OF CEREBRAL GRAY MATTER WITH HEPATIC CIRRHOSIS; Alpers-Huttenlocher Syndrome; Mitochondrial DNA Depletion Syndrome 4A. Identifiers: Orphanet 726, MedGen C0205710, MONDO:0008758, OMIM 203700.

Allele frequency attached by ClinVar (database versions not stated): ExAC 0.00003; TOPMed 0.00005; gnomAD 0.00016; ESP Exome Variant Server 0.00031.
gnomAD v4.1: 26 of 1,611,852 alleles (0.0016%); highest among the groups gnomAD compares: African/African-American, 0.033%; no homozygotes.

Submissions (4):

Labcorp Genetics (formerly Invitae), Labcorp
Classification: Likely benign for Progressive sclerosing poliodystrophy. Last evaluated: 2025-12-08. Review status: criteria provided, single submitter. Criteria: Invitae Variant Classification Sherloc (09022015). Collection method: clinical testing. Allele origin: germline.

PreventionGenetics, part of Exact Sciences
Classification: Likely benign for POLG-related condition. Last evaluated: 2025-07-02. Review status: criteria provided, single submitter. Criteria: ACMG Guidelines, 2015. Collection method: clinical testing. Allele origin: germline.
Comment: This variant is classified as likely benign based on ACMG/AMP sequence variant interpretation guidelines (Richards et al. 2015 PMID: 25741868, with internal and published modifications).

Ambry Genetics
Classification: Likely benign for Inborn genetic diseases. Last evaluated: 2020-01-07. Review status: criteria provided, single submitter. Criteria: Ambry Variant Classification Scheme 2023. Collection method: clinical testing. Allele origin: germline.

GeneDx
Classification: Likely benign. Last evaluated: 2017-07-17. Review status: criteria provided, single submitter. Criteria: GeneDx Variant Classification (06012015). Collection method: clinical testing. Allele origin: germline. Affected: yes.
Comment: This variant is considered likely benign or benign based on one or more of the following criteria: it is a conservative change, it occurs at a poorly conserved position in the protein, it is predicted to be benign by multiple in silico algorithms, and/or has population frequency not consistent with disease.